The following is an entry in ClinVar:

ClinVar aggregate classification (germline): Uncertain significance (1 of 4 stars; one submission).

Conditions:
Sphingolipid activator protein 1 deficiency. Also called: Metachromatic leukodystrophy due to saposin B deficiency; METACHROMATIC LEUKODYSTROPHY DUE TO CEREBROSIDE SULFATASE ACTIVATOR DEFICIENCY; Saposin B Deficiency. Identifiers: Orphanet 512, MedGen C0268262, MONDO:0009590, OMIM 249900.

Allele frequency attached by ClinVar (database versions not stated): TOPMed 0.00001.
gnomAD v4.1: 8 of 1,614,170 alleles (0.0005%); highest among the groups gnomAD compares: Admixed American, 0.0033%; no homozygotes.

Submission:

Labcorp Genetics (formerly Invitae), Labcorp
Classification: Uncertain significance for Sphingolipid activator protein 1 deficiency. Last evaluated: 2022-05-06. Review status: criteria provided, single submitter. Criteria: Invitae Variant Classification Sherloc (09022015). Collection method: clinical testing. Allele origin: germline.
Comment: In summary, the available evidence is currently insufficient to determine the role of this variant in disease. Therefore, it has been classified as a Variant of Uncertain Significance. Algorithms developed to predict the effect of missense changes on protein structure and function are either unavailable or do not agree on the potential impact of this missense change (SIFT: "Not Available"; PolyPhen-2: "Possibly Damaging"; Align-GVGD: "Not Available"). This variant has not been reported in the literature in individuals affected with PSAP-related conditions. This variant is present in population databases (rs772254365, gnomAD 0.006%). This sequence change replaces aspartic acid, which is acidic and polar, with asparagine, which is neutral and polar, at codon 239 of the PSAP protein (p.Asp239Asn).

NM_002778.4(PSAP):c.715G>A (p.Asp239Asn)

Gene: PSAP (prosaposin; minus strand). Cytogenetic location: 10q22.1.
Variant type: single nucleotide variant.
Coding change: c.715G>A on transcript NM_002778.4 (MANE Select); coding-DNA position 715, G replaced by A.
Protein change: p.Asp239Asn; replaces aspartic acid 239 with asparagine.
Molecular consequence: missense variant.
Genome position (GRCh38, 1-based): chr10:71,828,019, C>T on the plus strand (G>A on the coding strand, the complement: PSAP is on the minus strand). VCF-style: chr10-71828019-C-T. GRCh37 (hg19) VCF-style: chr10-73587776-C-T.
Other names: c.715G>A, p.Asp239Asn (NM_001042465.3, NM_001042466.3); short protein forms D239N.
Identifiers: ClinVar variation 2139313 (VCV002139313.4), dbSNP rs772254365, ClinGen allele CA5547687.